The following is an entry in ClinVar:

NM_007186.6(CEP250):c.3167+5G>T

Gene: CEP250 (centrosomal protein 250; plus strand). Cytogenetic location: 20q11.22.
Variant type: single nucleotide variant.
Coding change: c.3167+5G>T on transcript NM_007186.6 (MANE Select); 5 bases into the intron after coding-DNA position 3167, G replaced by T.
Molecular consequence: intron variant.
Genome position (GRCh38, 1-based): chr20:35,494,662, G>T. VCF-style: chr20-35494662-G-T. GRCh37 (hg19) VCF-style: chr20-34082489-G-T.
Other names: c.1271+5G>T (NM_001318219.1).
Identifiers: ClinVar variation 1353780 (VCV001353780.7), dbSNP rs903593294, ClinGen allele CA314153011.

ClinVar aggregate classification (germline): Uncertain significance. Review status: criteria provided, multiple submitters, no conflicts (2 of 4 stars). 2 submissions from 2 submitters: Uncertain significance (2). Last evaluated 2023-02-14.

Allele frequency attached by ClinVar (database versions not stated): gnomAD exomes below 0.00001; TOPMed below 0.00001.

Submissions (2):

Blueprint Genetics
Classification: Uncertain significance. Last evaluated: 2023-02-14. Review status: criteria provided, single submitter. Criteria: ACMG Guidelines, 2015. Collection method: clinical testing. Allele origin: germline.

Labcorp Genetics (formerly Invitae), Labcorp
Classification: Uncertain significance. Last evaluated: 2022-08-16. Review status: criteria provided, single submitter. Criteria: Invitae Variant Classification Sherloc (09022015). Collection method: clinical testing. Allele origin: germline.
Comment: ClinVar contains an entry for this variant (Variation ID: 1353780). This variant has not been reported in the literature in individuals affected with CEP250-related conditions. This variant is not present in population databases (gnomAD no frequency). This sequence change falls in intron 24 of the CEP250 gene. It does not directly change the encoded amino acid sequence of the CEP250 protein. It affects a nucleotide within the consensus splice site. Variants that disrupt the consensus splice site are a relatively common cause of aberrant splicing (PMID: 17576681, 9536098). Algorithms developed to predict the effect of sequence changes on RNA splicing suggest that this variant is not likely to affect RNA splicing. In summary, the available evidence is currently insufficient to determine the role of this variant in disease. Therefore, it has been classified as a Variant of Uncertain Significance.

Literature cited by the submitters: PubMed 17576681 (cited by Labcorp Genetics (formerly Invitae), Labcorp); PubMed 9536098 (cited by Labcorp Genetics (formerly Invitae), Labcorp).